The following is an entry in ClinVar:

NM_019042.5(PUS7):c.805A>G (p.Thr269Ala)

Gene: PUS7 (pseudouridine synthase 7; minus strand). Cytogenetic location: 7q22.3.
Variant type: single nucleotide variant.
Coding change: c.805A>G on transcript NM_019042.5 (MANE Select); coding-DNA position 805, A replaced by G.
Protein change: p.Thr269Ala; replaces threonine 269 with alanine.
Molecular consequence: missense variant.
Genome position (GRCh38, 1-based): chr7:105,495,179, T>C on the plus strand (A>G on the coding strand, the complement: PUS7 is on the minus strand). VCF-style: chr7-105495179-T-C. GRCh37 (hg19) VCF-style: chr7-105135626-T-C.
Other names: c.823A>G, p.Thr275Ala (NM_001318163.1); c.805A>G, p.Thr269Ala (NM_001318164.2); short protein forms T269A, T275A.
Identifiers: ClinVar variation 1805902 (VCV001805902.3), dbSNP rs2484938191, ClinGen allele CA368794473.

ClinVar aggregate classification (germline): Uncertain significance. Review status: criteria provided, multiple submitters, no conflicts (2 of 4 stars). 2 submissions from 2 submitters: Uncertain significance (2). Last evaluated 2025-10-06.

Conditions:
Intellectual developmental disorder with abnormal behavior, microcephaly, and short stature. Identifiers: MedGen C5193039, MONDO:0032687, OMIM 618342.

Allele frequency attached by ClinVar (database versions not stated): gnomAD exomes below 0.00001.
gnomAD v4.1: 3 of 1,612,088 alleles (0.00019%); highest among the groups gnomAD compares: Non-Finnish European, 0.00025%; no homozygotes.

Submissions (2):

Laboratoire de Génétique Moléculaire, CHU Bordeaux
Classification: Uncertain significance for Intellectual developmental disorder with abnormal behavior, microcephaly, and short stature. Last evaluated: 2025-10-06. Review status: criteria provided, single submitter. Criteria: ACMG Guidelines, 2015. Collection method: clinical testing. Allele origin: germline. Affected: yes.

Victorian Clinical Genetics Services, Murdoch Childrens Research Institute
Classification: Uncertain significance for Intellectual developmental disorder with abnormal behavior, microcephaly, and short stature. Last evaluated: 2023-07-16. Review status: criteria provided, single submitter. Criteria: ACMG Guidelines, 2015. Collection method: clinical testing. Allele origin: germline. Inheritance: Autosomal recessive inheritance. Affected: yes.
Comment: Based on the classification scheme VCGS_Germline_v1.3.4, this variant is classified as VUS-3B. Following criteria are met: 0102 - Loss of function is a known mechanism of disease in this gene and is associated with intellectual developmental disorder with abnormal behavior, microcephaly, and short stature (MIM#618342). (I) 0106 - This gene is associated with autosomal recessive disease. (I) 0200 - Variant is predicted to result in a missense amino acid change from threonine to alanine. (I) 0252 - This variant is homozygous. (I) 0301 - Variant is absent from gnomAD (both v2 and v3). (SP) 0502 - Missense variant with conflicting in silico predictions and uninformative conservation. (I) 0600 - Variant is located in the annotated tRNA pseudouridine synthase D domain (DECIPHER). (I) 0705 - No comparable missense variants have previous evidence for pathogenicity. (I) 0807 - This variant has no previous evidence of pathogenicity. (I) 0905 - No published segregation evidence has been identified for this variant. (I) 1007 - No published functional evidence has been identified for this variant. (I) Legend: (SP) - Supporting pathogenic, (I) - Information, (SB) - Supporting benign

Literature cited by the submitters: This variant is predicted likely pathogenic by in-silico predictors, with a 26 CADD Phred score and is absent in gnomAD. It was found homozygous. (cited by Laboratoire de Génétique Moléculaire, CHU Bordeaux).